The following is an entry in ClinVar:

ClinVar aggregate classification (germline): Uncertain significance. Review status: criteria provided, multiple submitters, no conflicts (2 of 4 stars). 2 submissions from 2 submitters: Uncertain significance (2). Last evaluated 2025-12-11.

Conditions:
Charcot-Marie-Tooth disease axonal type 2S. Also called: CHARCOT-MARIE-TOOTH NEUROPATHY, TYPE 2S; CHARCOT-MARIE-TOOTH DISEASE, AXONAL, AUTOSOMAL RECESSIVE, TYPE 2S. Identifiers: Orphanet 443073, MedGen C4015349, MONDO:0014511, OMIM 616155.
Autosomal recessive distal spinal muscular atrophy 1. Also called: HMN VI; NEURONOPATHY, SEVERE INFANTILE AXONAL, WITH RESPIRATORY FAILURE; Spinal muscular atrophy with respiratory distress 1; SEVERE INFANTILE AXONAL NEUROPATHY WITH RESPIRATORY FAILURE; SPINAL MUSCULAR ATROPHY, DIAPHRAGMATIC; NEURONOPATHY, DISTAL HEREDITARY MOTOR, HARDING TYPE VI. Identifiers: Orphanet 98920, MedGen C1858517, MONDO:0011436, OMIM 604320.
Inborn genetic diseases. Identifiers: MedGen C0950123, MeSH D030342.

Allele frequency attached by ClinVar (database versions not stated): gnomAD 0.00001; ExAC 0.00002; gnomAD exomes 0.00002; TOPMed 0.00002; ESP Exome Variant Server 0.00008.
gnomAD v4.1: 79 of 1,613,664 alleles (0.0049%); highest among the groups gnomAD compares: Non-Finnish European, 0.006%; no homozygotes.

Submissions (2):

Ambry Genetics
Classification: Uncertain significance for Inborn genetic diseases. Last evaluated: 2025-12-11. Review status: criteria provided, single submitter. Criteria: Ambry Variant Classification Scheme 2023. Collection method: clinical testing. Allele origin: germline.

Labcorp Genetics (formerly Invitae), Labcorp
Classification: Uncertain significance for Autosomal recessive distal spinal muscular atrophy 1; Charcot-Marie-Tooth disease axonal type 2S. Last evaluated: 2021-09-02. Review status: criteria provided, single submitter. Criteria: Invitae Variant Classification Sherloc (09022015). Collection method: clinical testing. Allele origin: germline.
Comment: This sequence change replaces threonine with methionine at codon 671 of the IGHMBP2 protein (p.Thr671Met). The threonine residue is weakly conserved and there is a moderate physicochemical difference between threonine and methionine. This variant is present in population databases (rs377743886, ExAC 0.005%). This variant has not been reported in the literature in individuals affected with IGHMBP2-related conditions. Algorithms developed to predict the effect of missense changes on protein structure and function are either unavailable or do not agree on the potential impact of this missense change (SIFT: "Deleterious"; PolyPhen-2: "Benign"; Align-GVGD: "Class C0"). In summary, the available evidence is currently insufficient to determine the role of this variant in disease. Therefore, it has been classified as a Variant of Uncertain Significance.

NM_002180.3(IGHMBP2):c.2012C>T (p.Thr671Met)

Gene: IGHMBP2 (immunoglobulin mu DNA binding protein 2; plus strand). Cytogenetic location: 11q13.3.
Variant type: single nucleotide variant.
Coding change: c.2012C>T on transcript NM_002180.3 (MANE Select); coding-DNA position 2012, C replaced by T.
Protein change: p.Thr671Met; replaces threonine 671 with methionine.
Molecular consequence: missense variant.
Genome position (GRCh38, 1-based): chr11:68,936,492, C>T. VCF-style: chr11-68936492-C-T. GRCh37 (hg19) VCF-style: chr11-68703960-C-T.
Other names: short protein forms T671M.
Identifiers: ClinVar variation 574510 (VCV000574510.10), dbSNP rs377743886, ClinGen allele CA6153823.